The following is an entry in ClinVar:

ClinVar aggregate classification (germline): Likely benign (1 of 4 stars; one submission).

Allele frequency attached by ClinVar (database versions not stated): ExAC 0.00001; gnomAD exomes 0.00001; TOPMed 0.00001.
gnomAD v4.1: 10 of 1,613,628 alleles (0.00062%); highest among the groups gnomAD compares: South Asian, 0.0088%; no homozygotes.

Submission:

GeneDx
Classification: Likely benign. Last evaluated: 2013-10-07. Review status: criteria provided, single submitter. Criteria: GeneDx Variant Classification (06012015). Collection method: clinical testing. Allele origin: germline. Affected: yes.
Comment: This variant is considered likely benign or benign based on one or more of the following criteria: it is a conservative change, it occurs at a poorly conserved position in the protein, it is predicted to be benign by multiple in silico algorithms, and/or has population frequency not consistent with disease.

NM_001182.5(ALDH7A1):c.1069A>G (p.Ile357Val)

Gene: ALDH7A1 (aldehyde dehydrogenase 7 family member A1; minus strand). Cytogenetic location: 5q23.2.
Variant type: single nucleotide variant.
Coding change: c.1069A>G on transcript NM_001182.5 (MANE Select); coding-DNA position 1069, A replaced by G.
Protein change: p.Ile357Val; replaces isoleucine 357 with valine.
Molecular consequence: missense variant. On other transcripts: intron variant (1).
Genome position (GRCh38, 1-based): chr5:126,555,955, T>C on the plus strand (A>G on the coding strand, the complement: ALDH7A1 is on the minus strand). VCF-style: chr5-126555955-T-C. GRCh37 (hg19) VCF-style: chr5-125891647-T-C.
Other names: p.I357V:ATC>GTC; c.1008+3285A>G (NM_001202404.2); c.985A>G, p.Ile329Val (NM_001201377.2); short protein forms I357V, I329V.
Identifiers: ClinVar variation 204822 (VCV000204822.1), dbSNP rs761011399, ClinGen allele CA313153.